The following is an entry in ClinVar:

NM_000256.3(MYBPC3):c.2339T>C (p.Ile780Thr)

Gene: MYBPC3 (myosin binding protein C3; minus strand). Cytogenetic location: 11p11.2.
Variant type: single nucleotide variant.
Coding change: c.2339T>C on transcript NM_000256.3 (MANE Select); coding-DNA position 2339, T replaced by C.
Protein change: p.Ile780Thr; replaces isoleucine 780 with threonine.
Molecular consequence: missense variant.
Genome position (GRCh38, 1-based): chr11:47,337,764, A>G on the plus strand (T>C on the coding strand, the complement: MYBPC3 is on the minus strand). VCF-style: chr11-47337764-A-G. GRCh37 (hg19) VCF-style: chr11-47359315-A-G.
Other names: short protein forms I780T.
Identifiers: ClinVar variation 923546 (VCV000923546.7), dbSNP rs747912257, ClinGen allele CA380319000.

ClinVar aggregate classification (germline): Uncertain significance. Review status: criteria provided, multiple submitters, no conflicts (2 of 4 stars). 2 submissions from 2 submitters: Uncertain significance (2). Last evaluated 2023-12-04.

Conditions:
Cardiomyopathy (CMYO). Also called: Cardiomyopathies. Identifiers: Orphanet 167848, MedGen C0878544, MONDO:0004994, HP:0001638. Inheritance: Various modes of inheritance.

gnomAD v4.1: 5 of 1,553,958 alleles (0.00032%); highest among the groups gnomAD compares: Non-Finnish European, 0.00044%; no homozygotes.

Submissions (2):

Color Diagnostics, LLC DBA Color Health
Classification: Uncertain significance for Cardiomyopathy. Last evaluated: 2023-12-04. Review status: criteria provided, single submitter. Criteria: ACMG Guidelines, 2015. Collection method: clinical testing. Allele origin: germline.
Comment: Variant of Uncertain Significance due to insufficient evidence: This missense variant replaces isoleucine with threonine at codon 780 of the MYBPC3 protein. Computational prediction tools and conservation analyses are inconclusive regarding the impact of this variant on the protein function. Computational splicing tools suggest that this variant may not impact RNA splicing. To our knowledge, functional assays have not been performed for this variant nor has this variant been reported in individuals affected with cardiovascular disorders in the literature. This variant is rare in the general population and has been identified in 0/277264 chromosomes by the Genome Aggregation Database (gnomAD). Available evidence is insufficient to determine the role of this variant in disease conclusively.

GeneDx
Classification: Uncertain significance. Last evaluated: 2019-07-08. Review status: criteria provided, single submitter. Criteria: GeneDx Variant Classification Process June 2021. Collection method: clinical testing. Allele origin: germline. Affected: yes.
Comment: Has not been previously published as pathogenic or benign to our knowledge; Not observed in large population cohorts (Lek et al., 2016); In silico analysis, which includes protein predictors and evolutionary conservation, supports a deleterious effect